The following is an entry in ClinVar:

NM_000222.3(KIT):c.2846C>T (p.Pro949Leu)

Gene: KIT (KIT proto-oncogene, receptor tyrosine kinase; plus strand). Cytogenetic location: 4q12.
Variant type: single nucleotide variant.
Coding change: c.2846C>T on transcript NM_000222.3 (MANE Select); coding-DNA position 2846, C replaced by T.
Protein change: p.Pro949Leu; replaces proline 949 with leucine.
Molecular consequence: missense variant.
Genome position (GRCh38, 1-based): chr4:54,738,472, C>T. VCF-style: chr4-54738472-C-T. GRCh37 (hg19) VCF-style: chr4-55604638-C-T.
Other names: c.2834C>T, p.Pro945Leu (NM_001093772.2, NM_001385292.1); c.2849C>T, p.Pro950Leu (NM_001385284.1); c.2843C>T, p.Pro948Leu (NM_001385285.1); c.2831C>T, p.Pro944Leu (NM_001385286.1); c.2837C>T, p.Pro946Leu (NM_001385288.1); c.2846C>T, p.Pro949Leu (NM_001385290.1); short protein forms P945L, P949L, P948L, P944L, P946L, P950L.
Identifiers: ClinVar variation 1350234 (VCV001350234.6), dbSNP rs2109818619, ClinGen allele CA356916077.

ClinVar aggregate classification (germline): Uncertain significance (1 of 4 stars; one submission).

Conditions:
Gastrointestinal stromal tumor. Also called: Gastrointestinal stroma tumor; Gastrointestinal stromal tumor, somatic. Identifiers: Orphanet 44890, MedGen C0238198, MeSH D046152, MONDO:0011719, OMIM 606764, HP:0100723.

Submission:

Labcorp Genetics (formerly Invitae), Labcorp
Classification: Uncertain significance for Gastrointestinal stromal tumor. Last evaluated: 2021-11-08. Review status: criteria provided, single submitter. Criteria: Invitae Variant Classification Sherloc (09022015). Collection method: clinical testing. Allele origin: germline.
Comment: This sequence change replaces proline, which is neutral and non-polar, with leucine, which is neutral and non-polar, at codon 949 of the KIT protein (p.Pro949Leu). This variant is not present in population databases (gnomAD no frequency). This variant has not been reported in the literature in individuals affected with KIT-related conditions. Algorithms developed to predict the effect of missense changes on protein structure and function (SIFT, PolyPhen-2, Align-GVGD) all suggest that this variant is likely to be tolerated. In summary, the available evidence is currently insufficient to determine the role of this variant in disease. Therefore, it has been classified as a Variant of Uncertain Significance.